The following is an entry in ClinVar:

ClinVar aggregate classification (germline): Uncertain significance. Review status: criteria provided, multiple submitters, no conflicts (2 of 4 stars). 3 submissions from 3 submitters: Uncertain significance (2). 1 of the submissions does not count toward it. Last evaluated 2023-10-24.

Conditions:
Hereditary cancer-predisposing syndrome. Also called: Tumor predisposition; Hereditary neoplastic syndrome; Hereditary Cancer Syndrome; Neoplastic Syndromes, Hereditary. Identifiers: Orphanet 140162, MedGen C0027672, MeSH D009386, MONDO:0015356.
Bloom syndrome (BLM). Also called: Bloom-Torre-Machacek syndrome. Identifiers: Orphanet 125, MedGen C0005859, MONDO:0008876, OMIM 210900.

Submissions (3):

Labcorp Genetics (formerly Invitae), Labcorp
Classification: Uncertain significance for Bloom syndrome. Last evaluated: 2023-10-24. Review status: criteria provided, single submitter. Criteria: Invitae Variant Classification Sherloc (09022015). Collection method: clinical testing. Allele origin: germline.
Comment: This sequence change replaces leucine, which is neutral and non-polar, with phenylalanine, which is neutral and non-polar, at codon 1410 of the BLM protein (p.Leu1410Phe). This variant is not present in population databases (gnomAD no frequency). This variant has not been reported in the literature in individuals affected with BLM-related conditions. ClinVar contains an entry for this variant (Variation ID: 937772). An algorithm developed to predict the effect of missense changes on protein structure and function (PolyPhen-2) suggests that this variant is likely to be disruptive. In summary, the available evidence is currently insufficient to determine the role of this variant in disease. Therefore, it has been classified as a Variant of Uncertain Significance.

Ambry Genetics
Classification: Uncertain significance for Hereditary cancer-predisposing syndrome. Last evaluated: 2022-03-28. Review status: criteria provided, single submitter. Criteria: Ambry Variant Classification Scheme 2023. Collection method: clinical testing. Allele origin: germline.
Comment: The p.L1410F variant (also known as c.4228C>T), located in coding exon 21 of the BLM gene, results from a C to T substitution at nucleotide position 4228. The leucine at codon 1410 is replaced by phenylalanine, an amino acid with highly similar properties. This amino acid position is highly conserved in available vertebrate species. In addition, the in silico prediction for this alteration is inconclusive. Since supporting evidence is limited at this time, the clinical significance of this alteration remains unclear.

Natera, Inc.
Classification: Uncertain significance for Bloom syndrome. Last evaluated: 2020-05-29. Review status: no assertion criteria provided. Collection method: clinical testing. Allele origin: germline. Not counted in ClinVar's aggregate classification.

NM_000057.4(BLM):c.4228C>T (p.Leu1410Phe)

Gene: BLM (BLM RecQ like helicase; plus strand). Cytogenetic location: 15q26.1.
Variant type: single nucleotide variant.
Coding change: c.4228C>T on transcript NM_000057.4 (MANE Select); coding-DNA position 4228, C replaced by T.
Protein change: p.Leu1410Phe; replaces leucine 1410 with phenylalanine.
Molecular consequence: missense variant.
Genome position (GRCh38, 1-based): chr15:90,815,253, C>T. VCF-style: chr15-90815253-C-T. GRCh37 (hg19) VCF-style: chr15-91358483-C-T.
Other names: c.4228C>T, p.Leu1410Phe (NM_001287246.2); c.3835C>T, p.Leu1279Phe (NM_001287247.2); c.3103C>T, p.Leu1035Phe (NM_001287248.2); c.4228C>T (NM_000057.2); short protein forms L1410F, L1035F, L1279F.
Identifiers: ClinVar variation 937772 (VCV000937772.13), dbSNP rs1897532582, ClinGen allele CA393853190.